The following is an entry in ClinVar:

ClinVar aggregate classification (germline): Uncertain significance (1 of 4 stars; one submission).

Conditions:
Adenylosuccinate lyase deficiency (ADSLD). Also called: ADSL DEFICIENCY. Identifiers: Orphanet 46, MedGen C0268126, MONDO:0007068, OMIM 103050.

Allele frequency attached by ClinVar (database versions not stated): ExAC 0.00001.
gnomAD v4.1: 1 of 1,613,884 alleles (0.000062%); highest among the groups gnomAD compares: Non-Finnish European, 0.000085%; no homozygotes.

Submission:

Labcorp Genetics (formerly Invitae), Labcorp
Classification: Uncertain significance for Adenylosuccinate lyase deficiency. Last evaluated: 2020-01-27. Review status: criteria provided, single submitter. Criteria: Invitae Variant Classification Sherloc (09022015). Collection method: clinical testing. Allele origin: germline.
Comment: This sequence change replaces glycine with glutamic acid at codon 116 of the ADSL protein (p.Gly116Glu). The glycine residue is highly conserved and there is a moderate physicochemical difference between glycine and glutamic acid. This variant is present in population databases (rs768596079, ExAC 0.001%). This variant has not been reported in the literature in individuals with ADSL-related conditions. Algorithms developed to predict the effect of missense changes on protein structure and function are either unavailable or do not agree on the potential impact of this missense change (SIFT: "Tolerated"; PolyPhen-2: "Possibly Damaging"; Align-GVGD: "Class C0"). In summary, the available evidence is currently insufficient to determine the role of this variant in disease. Therefore, it has been classified as a Variant of Uncertain Significance.

NM_000026.4(ADSL):c.347G>A (p.Gly116Glu)

Gene: ADSL (adenylosuccinate lyase; plus strand). Cytogenetic location: 22q13.1.
Variant type: single nucleotide variant.
Coding change: c.347G>A on transcript NM_000026.4 (MANE Select); coding-DNA position 347, G replaced by A.
Protein change: p.Gly116Glu; replaces glycine 116 with glutamic acid.
Molecular consequence: missense variant. On other transcripts: non-coding transcript variant (1).
Genome position (GRCh38, 1-based): chr22:40,350,025, G>A. VCF-style: chr22-40350025-G-A. GRCh37 (hg19) VCF-style: chr22-40746029-G-A.
Other names: c.347G>A, p.Gly116Glu (NM_001123378.3, NM_001363840.3); c.155G>A, p.Gly52Glu (NM_001317923.2); short protein forms G116E, G52E.
Identifiers: ClinVar variation 853834 (VCV000853834.9), dbSNP rs768596079, ClinGen allele CA10247666.
Genomic context (GRCh38, chr22:40,350,025, plus strand): 5'-GCCACTGCTGTCCAAAAGCTGCAGGCATTATTCACCTTGGTGCTACTTCTTGCTATGTTG[G>A]AGACAATACTGTAGGCGCCTGTGTTGTTTATACTTAAAACTCAGTCTCTAGAATCTATTT-3'
Protein context (NP_000017.1, residues 106-126): IHLGATSCYV[Gly116Glu]DNTDLIILRN